The following is an entry in ClinVar:

NM_002979.5(SCP2):c.73G>T (p.Val25Leu)

Gene: SCP2 (sterol carrier protein 2; plus strand). Cytogenetic location: 1p32.3.
Variant type: single nucleotide variant.
Coding change: c.73G>T on transcript NM_002979.5 (MANE Select); coding-DNA position 73, G replaced by T.
Protein change: p.Val25Leu; replaces valine 25 with leucine.
Molecular consequence: missense variant. On other transcripts: intron variant (1).
Genome position (GRCh38, 1-based): chr1:52,941,799, G>T. VCF-style: chr1-52941799-G-T. GRCh37 (hg19) VCF-style: chr1-53407471-G-T.
Other names: c.73G>T, p.Val25Leu (NM_001007098.3, NM_001193599.2, NM_001193600.2 and 1 more transcripts); c.-116-6210G>T (NM_001193617.2); c.73G>T (NM_002979.4); short protein forms V25L.
Identifiers: ClinVar variation 1920857 (VCV001920857.6), dbSNP rs956111836, ClinGen allele CA22589843.

ClinVar aggregate classification (germline): Uncertain significance. Review status: criteria provided, multiple submitters, no conflicts (2 of 4 stars). 2 submissions from 2 submitters: Uncertain significance (2). Last evaluated 2024-08-01.

Allele frequency attached by ClinVar (database versions not stated): gnomAD exomes 0.00001.
gnomAD v4.1: 8 of 1,592,850 alleles (0.0005%); highest among the groups gnomAD compares: Middle Eastern, 0.067%; no homozygotes.

Submissions (2):

Ambry Genetics
Classification: Uncertain significance. Last evaluated: 2024-08-01. Review status: criteria provided, single submitter. Criteria: Ambry Variant Classification Scheme 2023. Collection method: clinical testing. Allele origin: germline.

Labcorp Genetics (formerly Invitae), Labcorp
Classification: Uncertain significance. Last evaluated: 2022-06-07. Review status: criteria provided, single submitter. Criteria: Invitae Variant Classification Sherloc (09022015). Collection method: clinical testing. Allele origin: germline.
Comment: In summary, the available evidence is currently insufficient to determine the role of this variant in disease. Therefore, it has been classified as a Variant of Uncertain Significance. Algorithms developed to predict the effect of missense changes on protein structure and function output the following: SIFT: "Tolerated"; PolyPhen-2: "Benign"; Align-GVGD: "Class C0". The leucine amino acid residue is found in multiple mammalian species, which suggests that this missense change does not adversely affect protein function. This variant has not been reported in the literature in individuals affected with SCP2-related conditions. This variant is not present in population databases (gnomAD no frequency). This sequence change replaces valine, which is neutral and non-polar, with leucine, which is neutral and non-polar, at codon 25 of the SCP2 protein (p.Val25Leu).